The following is an entry in ClinVar:

NM_001372044.2(SHANK3):c.2220-134C>T

Gene: SHANK3 (SH3 and multiple ankyrin repeat domains 3; plus strand). Cytogenetic location: 22q13.33.
Variant type: single nucleotide variant.
Coding change: c.2220-134C>T on transcript NM_001372044.2 (MANE Select); 134 bases into the intron before coding-DNA position 2220, C replaced by T.
Molecular consequence: intron variant.
Genome position (GRCh38, 1-based): chr22:50,705,938, C>T. VCF-style: chr22-50705938-C-T. GRCh37 (hg19) VCF-style: chr22-51144366-C-T.
Identifiers: ClinVar variation 2498917 (VCV002498917.28), dbSNP rs564125096, ClinGen allele CA325561756.

ClinVar aggregate classification (germline): Likely benign (1 of 4 stars; one submission).

Allele frequency attached by ClinVar (database versions not stated): gnomAD 0.00014; TOPMed 0.00014.

Submission:

CeGaT Center for Human Genetics Tuebingen
Classification: Likely benign. Last evaluated: 2026-09-01. Review status: criteria provided, single submitter. Criteria: CeGaT Center For Human Genetics Tuebingen Variant Classification Criteria Version 2. Collection method: clinical testing. Allele origin: germline. Affected: yes. Observed: 4 variant alleles.
Comment: SHANK3: BS4